The following is an entry in ClinVar:

NM_181507.2(HPS5):c.854del (p.Gly285fs)

Gene: HPS5 (HPS5 biogenesis of lysosomal organelles complex 2 subunit 2; minus strand). Cytogenetic location: 11p15.1.
Variant type: Deletion.
Coding change: c.854del on transcript NM_181507.2 (MANE Select); coding-DNA position 854, one base deleted (G; older notation c.854delG).
Protein change: p.Gly285fs; shifts the reading frame from glycine 285.
Molecular consequence: frameshift variant. On other transcripts: intron variant (3).
Genome position (GRCh38, 1-based): chr11:18,305,464, C deleted on the plus strand (G on the coding strand, the reverse complement: HPS5 is on the minus strand); the first of 2 consecutive C bases (chr11:18,305,464-18,305,465); deleting either gives the same sequence. VCF-style (leftmost placement, unchanged base first): chr11-18305463-TC-T. GRCh37 (hg19) VCF-style: chr11-18327010-TC-T.
Other names: c.854del, p.Gly285fs (NM_001440902.1, NM_001440903.1, NM_001440904.1 and 5 more transcripts); c.779del, p.Gly260fs (NM_001440907.1, NM_001440908.1, NM_001440909.1); c.743del, p.Gly248fs (NM_001440913.1, NM_001440914.1, NM_001440915.1); c.668del, p.Gly223fs (NM_001440918.1); c.641del, p.Gly214fs (NM_001440919.1); c.512del, p.Gly171fs (NM_001440920.1, NM_001440921.1, NM_001440922.1 and 7 more transcripts); c.482+671del (NM_001440929.1, NM_001440928.1, NM_001440927.1); short protein forms G171fs, G214fs, G223fs, G248fs, G260fs, G285fs.
Identifiers: ClinVar variation 4875421 (VCV004875421.2).

ClinVar aggregate classification (germline): Pathogenic (1 of 4 stars; one submission).

Submission:

CeGaT Center for Human Genetics Tuebingen
Classification: Pathogenic. Last evaluated: 2026-06-01. Review status: criteria provided, single submitter. Criteria: CeGaT Center For Human Genetics Tuebingen Variant Classification Criteria Version 2. Collection method: clinical testing. Allele origin: germline. Affected: yes. Observed: 3 variant alleles.
Comment: HPS5: PVS1, PM2, PM3:Supporting